The following is an entry in ClinVar:

ClinVar aggregate classification (germline): Benign. Review status: reviewed by expert panel (3 of 4 stars). 3 submissions from 3 submitters: Benign (1). 2 of the submissions do not count toward it. Last evaluated 2022-01-10.

Conditions:
Mitochondrial disease. Also called: Mitochondrial disorder; Mitochondrial disorders. Identifiers: Orphanet 68380, MedGen C0751651, MeSH D028361, MONDO:0044970.
MELAS syndrome (MELAS). Also called: Juvenile myopathy, encephalopathy, lactic acidosis, stroke. Identifiers: Orphanet 550, MedGen C0162671, MONDO:0010789, OMIM 540000.

Submissions (3):

ClinGen Mitochondrial Disease Nuclear and Mitochondrial  Variant Curation Expert Panel, ClinGen
Classification: Benign for Mitochondrial disease. Last evaluated: 2022-01-10. Review status: reviewed by expert panel. Criteria: clingen mito disease acmg specifications v1-1. Collection method: curation. Allele origin: germline. Inheritance: Mitochondrial inheritance.
Comment: The m.12239C>T variant in MT-TS2 was reviewed by the Mitochondrial Disease Nuclear and Mitochondrial Variant Curation Expert Panel as part of the variant pilot for mitochondrial DNA variant specifications (McCormick et al., 2020; PMID: 32906214). This variant is seen in 3.631% of individuals in the GenBank dataset (BA1), including in haplogroup B4a (90.9% of individuals). Furthermore, this variant is seen in the gnomAD dataset (v3.1.2) at an overall homoplasmic allele frequency of 0.2% including in haplogroup B at 7%. If an affected individual is not a member this haplogroup, further evaluation of the variant in that particular individual should be considered. The computational predictor MitoTIP suggests this variant does not impact the function of this tRNA with a score in the 5th percentile, as does HmtVar with a score of <0.35 (BP4). In summary, this variant meets criteria to be classified as benign. This classification was approved by the NICHD U24 Mitochondrial Disease Variant Curation Expert Panel as of August 20, 2020. Mitochondrial DNA-specific ACMG/AMP criteria applied: BA1, BP4.

Wong Mito Lab, Molecular and Human Genetics, Baylor College of Medicine
Classification: Benign for MELAS syndrome. Last evaluated: 2019-07-12. Review status: criteria provided, single submitter. Criteria: Modified ACMG Guidelines (Unpublished). Collection method: clinical testing. Allele origin: germline. Not counted in ClinVar's aggregate classification.
Comment: The NC_012920.1:m.12239C>T variant in MT-TS2 gene is interpreted to be a Benign variant based on the modified ACMG guidelines (unpublished). This variant meets the following evidence codes reported in the guidelines: BS1, BS2, BP4

Center for Pediatric Genomic Medicine, Children's Mercy Hospital and Clinics
Classification: Benign. Last evaluated: 2015-06-02. Review status: criteria provided, single submitter. Criteria: ACMG Guidelines, 2015. Collection method: clinical testing. Allele origin: germline. Not counted in ClinVar's aggregate classification.

Literature cited by the submitters: PubMed 31965079 (cited by Wong Mito Lab, Molecular and Human Genetics, Baylor College of Medicine).

NC_012920.1(MT-TS2):m.12239C>T

Gene: MT-TS2 (mitochondrially encoded tRNA serine 2 (AGU/C); plus strand).
Variant type: single nucleotide variant.
Genome position: chrM-12239-C-T.
Identifiers: ClinVar variation 235361 (VCV000235361.4), dbSNP rs376062400, ClinGen allele CA10581287.